The following is an entry in ClinVar:

ClinVar aggregate classification (germline): Uncertain significance (1 of 4 stars; one submission).

Conditions:
Polyhydramnios, megalencephaly, and symptomatic epilepsy (PMSE). Also called: PMSE SYNDROME. Identifiers: Orphanet 500533, MedGen C1970203, MONDO:0012611, OMIM 611087.

Allele frequency attached by ClinVar (database versions not stated): gnomAD exomes below 0.00001; gnomAD 0.00001; ExAC 0.00002; 1000 Genomes Project 30x 0.00016; 1000 Genomes Project 0.00020.

Submission:

Labcorp Genetics (formerly Invitae), Labcorp
Classification: Uncertain significance for Polyhydramnios, megalencephaly, and symptomatic epilepsy. Last evaluated: 2022-05-06. Review status: criteria provided, single submitter. Criteria: Invitae Variant Classification Sherloc (09022015). Collection method: clinical testing. Allele origin: germline.
Comment: In summary, the available evidence is currently insufficient to determine the role of this variant in disease. Therefore, it has been classified as a Variant of Uncertain Significance. Algorithms developed to predict the effect of missense changes on protein structure and function (SIFT, PolyPhen-2, Align-GVGD) all suggest that this variant is likely to be tolerated. This variant has not been reported in the literature in individuals affected with STRADA-related conditions. This variant is present in population databases (rs554344652, gnomAD 0.003%). This sequence change replaces proline, which is neutral and non-polar, with serine, which is neutral and polar, at codon 350 of the STRADA protein (p.Pro350Ser).

NM_001003787.4(STRADA):c.1048C>T (p.Pro350Ser)

Gene: STRADA (STE20 related adaptor alpha; minus strand). Cytogenetic location: 17q23.3.
Variant type: single nucleotide variant.
Coding change: c.1048C>T on transcript NM_001003787.4 (MANE Select); coding-DNA position 1048, C replaced by T.
Protein change: p.Pro350Ser; replaces proline 350 with serine.
Molecular consequence: missense variant. On other transcripts: non-coding transcript variant (1), intron variant (6).
Genome position (GRCh38, 1-based): chr17:63,704,393, G>A on the plus strand (C>T on the coding strand, the complement: STRADA is on the minus strand). VCF-style: chr17-63704393-G-A. GRCh37 (hg19) VCF-style: chr17-61781753-G-A.
Other names: c.937C>T, p.Pro313Ser (NM_001003786.3, NM_153335.6); c.874C>T, p.Pro292Ser (NM_001003788.3); c.1024C>T, p.Pro342Ser (NM_001363786.1); c.961C>T, p.Pro321Ser (NM_001363787.1); c.*486C>T (NM_001411083.1, NM_001411084.1); c.*497C>T (NM_001411085.1); c.898+39C>T (NM_001363789.1); c.835+39C>T (NM_001363790.1, NM_001363791.1); and 3 more; short protein forms P292S, P313S, P350S, P321S, P342S.
Identifiers: ClinVar variation 1897231 (VCV001897231.4), dbSNP rs554344652, ClinGen allele CA8703155.